The following is an entry in ClinVar:

ClinVar aggregate classification (germline): Uncertain significance. Review status: criteria provided, multiple submitters, no conflicts (2 of 4 stars). 4 submissions from 4 submitters: Uncertain significance (3). 1 of the submissions does not count toward it. Last evaluated 2024-08-29.

Conditions:
Autosomal dominant optic atrophy classic form (OPA1). Also called: KJER-TYPE OPTIC ATROPHY; Optic Atrophy Type 1; OPTIC ATROPHY, JUVENILE. Identifiers: Orphanet 98673, MedGen C0338508, MONDO:0008134, OMIM 165500.

Allele frequency attached by ClinVar (database versions not stated): gnomAD 0.00002; TOPMed 0.00002.
gnomAD v4.1: 29 of 1,613,968 alleles (0.0018%); highest among the groups gnomAD compares: South Asian, 0.0044%; no homozygotes.

Submissions (4):

Labcorp Genetics (formerly Invitae), Labcorp
Classification: Uncertain significance. Last evaluated: 2024-08-29. Review status: criteria provided, single submitter. Criteria: Invitae Variant Classification Sherloc (09022015). Collection method: clinical testing. Allele origin: germline.
Comment: The OPA1 gene has multiple clinically relevant transcripts. This variant occurs in alternate transcript NM_130837.2, and corresponds to NM_015560.2:c.625-5459G>A in the primary transcript. This sequence change replaces arginine, which is basic and polar, with histidine, which is basic and polar, at codon 247 of the OPA1 protein (p.Arg247His). This variant is present in population databases (rs138350727, gnomAD 0.01%). This missense change has been observed in individual(s) with OPA1-related conditions (PMID: 18360822). ClinVar contains an entry for this variant (Variation ID: 65755). Experimental studies and prediction algorithms are not available or were not evaluated, and the functional significance of this variant is currently unknown. Algorithms developed to predict the effect of sequence changes on RNA splicing suggest that this variant is not likely to affect RNA splicing. In summary, the available evidence is currently insufficient to determine the role of this variant in disease. Therefore, it has been classified as a Variant of Uncertain Significance.

Blueprint Genetics
Classification: Uncertain significance. Last evaluated: 2020-12-29. Review status: criteria provided, single submitter. Criteria: ACMG Guidelines, 2015. Collection method: clinical testing. Allele origin: germline.

GeneDx
Classification: Uncertain significance. Last evaluated: 2018-05-11. Review status: criteria provided, single submitter. Criteria: GeneDx Variant Classification (06012015). Collection method: clinical testing. Allele origin: germline. Affected: yes.
Comment: The R247H variant in the OPA1 gene has been reported previously in an individual with optic neuropathy. Studies in fibroblasts from this affected individual demonstrated increased susceptibility to apoptosis, abnormal mitochondrial network filamentation, and altered OPA1 protein profile; however, the significance of these findings is unknown (Cornille et al., 2008). The R247H variant is observed in 9/277,158 (0.0032%) alleles in large population cohorts (Lek et al., 2016). The R247H variant is a conservative amino acid substitution, which is not likely to impact secondary protein structure as these residues share similar properties. In-silico analyses, including protein predictors and evolutionary conservation, support that this variant does not alter protein structure/function. We interpret R247H as a variant of uncertain significance.

GeneReviews
No classification provided. Condition: Autosomal dominant optic atrophy classic form. Review status: no classification provided. Collection method: literature only. Allele origin: unknown. Not counted in ClinVar's aggregate classification.

Literature cited by the submitters: PubMed 18360822 (cited by Labcorp Genetics (formerly Invitae), Labcorp and GeneReviews); PubMed 20301426 (cited by GeneReviews); NCBI Bookshelf NBK1248 (cited by GeneReviews).

NM_130837.3(OPA1):c.740G>A (p.Arg247His)

Genes: OPA1 (OPA1 mitochondrial dynamin like GTPase; plus strand), OPA1-AS1 (OPA1 antisense RNA 1; minus strand). Cytogenetic location: 3q29.
Variant type: single nucleotide variant.
Coding change: c.740G>A on transcript NM_130837.3 (MANE Select); coding-DNA position 740, G replaced by A.
Protein change: p.Arg247His; replaces arginine 247 with histidine.
Molecular consequence: missense variant. On other transcripts: intron variant (5).
Genome position (GRCh38, 1-based): chr3:193,626,153, G>A. VCF-style: chr3-193626153-G-A. GRCh37 (hg19) VCF-style: chr3-193343942-G-A.
Other names: c.206G>A, p.Arg69His (NM_001354663.2); c.578G>A, p.Arg193His (NM_130833.3); c.632G>A, p.Arg211His (NM_130835.3); c.686G>A, p.Arg229His (NM_130836.3); c.253-5459G>A (NM_001354664.2); c.679-5459G>A (NM_130834.3); c.625-5459G>A (NM_015560.3); c.571-5459G>A (NM_130832.3); and 1 more; short protein forms R247H, R193H, R229H, R69H, R211H.
Identifiers: ClinVar variation 65755 (VCV000065755.10), dbSNP rs138350727, ClinGen allele CA345078.